The following is an entry in ClinVar:

ClinVar aggregate classification (germline): Uncertain significance. Review status: criteria provided, multiple submitters, no conflicts (2 of 4 stars). 3 submissions from 3 submitters: Uncertain significance (3). Last evaluated 2025-02-02.

Conditions:
Cardiomyopathy (CMYO). Also called: Cardiomyopathies. Identifiers: Orphanet 167848, MedGen C0878544, MONDO:0004994, HP:0001638. Inheritance: Various modes of inheritance.
Hypertrophic cardiomyopathy. Also called: HYPERTROPHIC MYOCARDIOPATHY. Identifiers: Orphanet 217569, MedGen C0007194, MeSH D002312, MONDO:0005045, HP:0001639.

gnomAD v4.1: 1 of 1,614,238 alleles (0.000062%); highest among the groups gnomAD compares: South Asian, 0.0011%; no homozygotes.

Submissions (3):

Labcorp Genetics (formerly Invitae), Labcorp
Classification: Uncertain significance for Hypertrophic cardiomyopathy. Last evaluated: 2025-02-02. Review status: criteria provided, single submitter. Criteria: Invitae Variant Classification Sherloc (09022015). Collection method: clinical testing. Allele origin: germline.
Comment: This sequence change replaces proline, which is neutral and non-polar, with histidine, which is basic and polar, at codon 14 of the MYH7 protein (p.Pro14His). This variant is not present in population databases (gnomAD no frequency). This variant has not been reported in the literature in individuals affected with MYH7-related conditions. ClinVar contains an entry for this variant (Variation ID: 1172137). Invitae Evidence Modeling of protein sequence and biophysical properties (such as structural, functional, and spatial information, amino acid conservation, physicochemical variation, residue mobility, and thermodynamic stability) indicates that this missense variant is expected to disrupt MYH7 protein function with a positive predictive value of 95%. In summary, the available evidence is currently insufficient to determine the role of this variant in disease. Therefore, it has been classified as a Variant of Uncertain Significance.

GeneDx
Classification: Uncertain significance. Last evaluated: 2024-12-04. Review status: criteria provided, single submitter. Criteria: GeneDx Variant Classification Process June 2021. Collection method: clinical testing. Allele origin: germline. Affected: yes.
Comment: Not observed at significant frequency in large population cohorts (gnomAD); In silico analysis supports that this missense variant has a deleterious effect on protein structure/function; Has not been previously published as pathogenic or benign to our knowledge

Color Diagnostics, LLC DBA Color Health
Classification: Uncertain significance for Cardiomyopathy. Last evaluated: 2024-03-06. Review status: criteria provided, single submitter. Criteria: ACMG Guidelines, 2015. Collection method: clinical testing. Allele origin: germline.
Comment: This missense variant replaces proline with histidine at codon 14 of the MYH7 protein. Computational prediction is inconclusive regarding the impact of this variant on protein structure and function (internally defined REVEL score threshold 0.5 < inconclusive < 0.7, PMID: 27666373). To our knowledge, functional studies have not been reported for this variant. This variant has not been reported in individuals affected with cardiovascular disorders in the literature. This variant has not been identified in the general population by the Genome Aggregation Database (gnomAD). The available evidence is insufficient to determine the role of this variant in disease conclusively. Therefore, this variant is classified as a Variant of Uncertain Significance.

NM_000257.4(MYH7):c.41C>A (p.Pro14His)

Gene: MYH7 (myosin heavy chain 7; minus strand). Cytogenetic location: 14q11.2.
Variant type: single nucleotide variant.
Coding change: c.41C>A on transcript NM_000257.4 (MANE Select); coding-DNA position 41, C replaced by A.
Protein change: p.Pro14His; replaces proline 14 with histidine.
Molecular consequence: missense variant.
Genome position (GRCh38, 1-based): chr14:23,433,692, G>T on the plus strand (C>A on the coding strand, the complement: MYH7 is on the minus strand). VCF-style: chr14-23433692-G-T. GRCh37 (hg19) VCF-style: chr14-23902901-G-T.
Other names: c.41C>A (NM_000257.2); short protein forms P14H.
Identifiers: ClinVar variation 1172137 (VCV001172137.5), dbSNP rs766301164, ClinGen allele CA389054125.